The following is an entry in ClinVar:

NC_012920.1(MT-ND4):m.11361T>C

Gene: MT-ND4 (mitochondrially encoded NADH dehydrogenase 4; plus strand).
Variant type: single nucleotide variant.
Genome position: chrM-11361-T-C.
Identifiers: ClinVar variation 693363 (VCV000693363.2), dbSNP rs1603223259, ClinGen allele CA414810027.

ClinVar aggregate classification (germline): Benign (1 of 4 stars; one submission).

Conditions:
Leigh syndrome (NULS). Also called: Leigh's necrotizing encephalopathy; Leigh's disease; Leigh Syndrome (mtDNA deletion); Leigh Disease; Subacute necrotizing encephalopathy; Necrotizing encephalopathy infantile subacute of Leigh. Identifiers: Orphanet 506, MedGen C2931891, MONDO:0009723, OMIM 256000.

Submission:

Wong Mito Lab, Molecular and Human Genetics, Baylor College of Medicine
Classification: Benign for Leigh syndrome. Last evaluated: 2019-10-17. Review status: criteria provided, single submitter. Criteria: Modified ACMG Guidelines (Unpublished). Collection method: clinical testing. Allele origin: germline.
Comment: The NC_012920.1:m.11361T>C (YP_003024035.1:p.Met201Thr) variant in MTND4 gene is interpretated to be a Benign variant based on the modified ACMG guidelines (unpublished). This variant meets the following evidence codes: BS1, BS4